The following is an entry in ClinVar:

NM_001378454.1(ALMS1):c.9841C>T (p.Gln3281Ter)

Gene: ALMS1 (ALMS1 centrosome and basal body associated protein; plus strand). Cytogenetic location: 2p13.1.
Variant type: single nucleotide variant.
Coding change: c.9841C>T on transcript NM_001378454.1 (MANE Select); coding-DNA position 9841, C replaced by T.
Protein change: p.Gln3281Ter; replaces glutamine 3281 with a stop codon.
Molecular consequence: nonsense.
Genome position (GRCh38, 1-based): chr2:73,534,883, C>T. VCF-style: chr2-73534883-C-T. GRCh37 (hg19) VCF-style: chr2-73762010-C-T.
Other names: c.9844C>T, p.Gln3282Ter (NM_015120.4); short protein forms Q3282*, Q3281*.
Identifiers: ClinVar variation 2087573 (VCV002087573.4), dbSNP rs1331043174, ClinGen allele CA347263675.

ClinVar aggregate classification (germline): Pathogenic (1 of 4 stars; one submission).

Conditions:
Alstrom syndrome (ALMS). Identifiers: Orphanet 64, MedGen C0268425, MONDO:0008763, OMIM 203800.

Submission:

Labcorp Genetics (formerly Invitae), Labcorp
Classification: Pathogenic for Alstrom syndrome. Last evaluated: 2022-01-18. Review status: criteria provided, single submitter. Criteria: Invitae Variant Classification Sherloc (09022015). Collection method: clinical testing. Allele origin: germline.
Comment: This sequence change creates a premature translational stop signal (p.Gln3282*) in the ALMS1 gene. It is expected to result in an absent or disrupted protein product. Loss-of-function variants in ALMS1 are known to be pathogenic (PMID: 17594715). This variant is not present in population databases (gnomAD no frequency). This variant has not been reported in the literature in individuals affected with ALMS1-related conditions. For these reasons, this variant has been classified as Pathogenic.

Literature cited by the submitters: PubMed 17594715.